The following is an entry in ClinVar:

ClinVar aggregate classification (germline): Uncertain significance (1 of 4 stars; one submission).

gnomAD v4.1: 6 of 1,614,202 alleles (0.00037%); highest among the groups gnomAD compares: Non-Finnish European, 0.00051%; no homozygotes.

Submission:

Labcorp Genetics (formerly Invitae), Labcorp
Classification: Uncertain significance. Last evaluated: 2022-06-27. Review status: criteria provided, single submitter. Criteria: Invitae Variant Classification Sherloc (09022015). Collection method: clinical testing. Allele origin: germline.
Comment: Algorithms developed to predict the effect of missense changes on protein structure and function output the following: SIFT: "Deleterious"; PolyPhen-2: "Benign"; Align-GVGD: "Class C0". The arginine amino acid residue is found in multiple mammalian species, which suggests that this missense change does not adversely affect protein function. In summary, the available evidence is currently insufficient to determine the role of this variant in disease. Therefore, it has been classified as a Variant of Uncertain Significance. This variant has not been reported in the literature in individuals affected with USH2A-related conditions. This variant is present in population databases (rs148499621, gnomAD 0.002%). This sequence change replaces serine, which is neutral and polar, with arginine, which is basic and polar, at codon 5039 of the USH2A protein (p.Ser5039Arg).

NM_206933.4(USH2A):c.15117C>A (p.Ser5039Arg)

Gene: USH2A (usherin; minus strand). Cytogenetic location: 1q41.
Variant type: single nucleotide variant.
Coding change: c.15117C>A on transcript NM_206933.4 (MANE Select); coding-DNA position 15117, C replaced by A.
Protein change: p.Ser5039Arg; replaces serine 5039 with arginine.
Molecular consequence: missense variant.
Genome position (GRCh38, 1-based): chr1:215,634,639, G>T on the plus strand (C>A on the coding strand, the complement: USH2A is on the minus strand). VCF-style: chr1-215634639-G-T. GRCh37 (hg19) VCF-style: chr1-215807981-G-T.
Other names: short protein forms S5039R.
Identifiers: ClinVar variation 1445853 (VCV001445853.7), dbSNP rs148499621, ClinGen allele CA1392784.